The following is an entry in ClinVar:

ClinVar aggregate classification (germline): Pathogenic/Likely pathogenic. Review status: criteria provided, multiple submitters, no conflicts (2 of 4 stars). 3 submissions from 3 submitters: Pathogenic (1); Likely pathogenic (2). Last evaluated 2026-01-11.

Conditions:
Megalencephalic leukoencephalopathy with subcortical cysts 1 (MLC1). Also called: LEUKOENCEPHALOPATHY WITH SWELLING AND CYSTS; VACUOLATING MEGALENCEPHALIC LEUKOENCEPHALOPATHY WITH SUBCORTICAL CYSTS. Identifiers: Orphanet 2478, MedGen C5779875, MONDO:0024555, OMIM 604004.
Megalencephalic leukoencephalopathy with subcortical cysts. Also called: VAN DER KNAAP DISEASE. Identifiers: Orphanet 2478, MedGen C1858854, MONDO:0011391.

Submissions (3):

Labcorp Genetics (formerly Invitae), Labcorp
Classification: Pathogenic. Last evaluated: 2026-01-11. Review status: criteria provided, single submitter. Criteria: Invitae Variant Classification Sherloc (09022015). Collection method: clinical testing. Allele origin: germline.
Comment: This sequence change creates a premature translational stop signal (p.Met284*) in the MLC1 gene. It is expected to result in an absent or disrupted protein product. Loss-of-function variants in MLC1 are known to be pathogenic (PMID: 11254442, 16470554, 24824219). This variant is not present in population databases (gnomAD no frequency). This premature translational stop signal has been observed in individual(s) with megalencephalic leukoencephalopathy with subcortical cysts (PMID: 12939431). ClinVar contains an entry for this variant (Variation ID: 2441418). For these reasons, this variant has been classified as Pathogenic.

Natera, Inc.
Classification: Likely pathogenic for Megalencephalic leukoencephalopathy with subcortical cysts. Last evaluated: 2024-03-22. Review status: criteria provided, single submitter. Criteria: Natera Variant Classification Schema (03/2026). Collection method: clinical testing. Allele origin: germline.
Comment: The c.849delC variant in MLC1 is a frameshift variant predicted to shift the reading frame and introduce a stop codon. This variant is expected to result in nonsense mediated decay, truncation, or a dysfunctional protein product. This variant is rare in the general population with a frequency below the threshold expected for the associated phenotype(s). Given the available evidence, this variant is classified as Likely Pathogenic.

Revvity Omics, Revvity
Classification: Likely pathogenic for Megalencephalic leukoencephalopathy with subcortical cysts 1. Last evaluated: 2022-06-02. Review status: criteria provided, single submitter. Criteria: ACMG Guidelines, 2015. Collection method: clinical testing. Allele origin: germline.

Literature cited by the submitters: PubMed 11254442 (cited by Labcorp Genetics (formerly Invitae), Labcorp); PubMed 16470554 (cited by Labcorp Genetics (formerly Invitae), Labcorp); PubMed 24824219 (cited by Labcorp Genetics (formerly Invitae), Labcorp); PubMed 12939431 (cited by Labcorp Genetics (formerly Invitae), Labcorp).

NM_015166.4(MLC1):c.849del (p.Ile283_Met284insTer)

Gene: MLC1 (modulator of VRAC current 1; minus strand). Cytogenetic location: 22q13.33.
Variant type: Deletion.
Coding change: c.849del on transcript NM_015166.4 (MANE Select); coding-DNA position 849, one base deleted (C; older notation c.849delC).
Protein change: p.Ile283_Met284insTer.
Molecular consequence: frameshift variant. On other transcripts: non-coding transcript variant (3).
Genome position (GRCh38, 1-based): chr22:50,068,478, G deleted on the plus strand (C on the coding strand, the reverse complement: MLC1 is on the minus strand). VCF-style (leftmost placement, unchanged base first): chr22-50068477-TG-T. GRCh37 (hg19) VCF-style: chr22-50506906-TG-T.
Other names: c.849del, p.Ile283_Met284insTer (NM_001376472.1, NM_001376473.1, NM_001376474.1 and 5 more transcripts); c.792del, p.Ile264_Met265insTer (NM_001376479.1); c.759del, p.Ile253_Met254insTer (NM_001376480.1); c.747del, p.Ile249_Met250insTer (NM_001376481.1); c.693del, p.Ile231_Met232insTer (NM_001376482.1, NM_001376483.1); c.612del, p.Ile204_Met205insTer (NM_001376484.1); c.849delC (NM_015166.3).
Identifiers: ClinVar variation 2441418 (VCV002441418.9), dbSNP rs2518488079, ClinGen allele CA2580099904.
Genomic context (GRCh38, chr22:50,068,477, plus strand): 5'-ATAAAATACAACTCACTTTTATGGCTGGCGGGTAATCCTTAAACATCTCCACGATTCTCA[TG>T]ATGCTGAATGACAGATATCCAGAGGCTGTGAACAGCAGCGGAGACGTGAGGCTGCTTATG-3'